The following is an entry in ClinVar:

ClinVar aggregate classification (germline): Uncertain significance. Review status: criteria provided, multiple submitters, no conflicts (2 of 4 stars). 3 submissions from 3 submitters: Uncertain significance (3). Last evaluated 2025-04-20.

Conditions:
Inborn genetic diseases. Identifiers: MedGen C0950123, MeSH D030342.
Cataract 36. Identifiers: MedGen C3151304, MONDO:0013484, OMIM 613887.

Allele frequency attached by ClinVar (database versions not stated): gnomAD 0.00021; ESP Exome Variant Server 0.00023; TOPMed 0.00028; ExAC 0.00032; gnomAD exomes 0.00040.
gnomAD v4.1: 600 of 1,614,010 alleles (0.037%); highest among the groups gnomAD compares: Non-Finnish European, 0.048%; no homozygotes.

Submissions (3):

Ambry Genetics
Classification: Uncertain significance for Inborn genetic diseases. Last evaluated: 2025-04-20. Review status: criteria provided, single submitter. Criteria: Ambry Variant Classification Scheme 2023. Collection method: clinical testing. Allele origin: germline.

GeneDx
Classification: Uncertain significance. Last evaluated: 2024-07-16. Review status: criteria provided, single submitter. Criteria: GeneDx Variant Classification Process June 2021. Collection method: clinical testing. Allele origin: germline. Affected: yes.
Comment: In silico analysis indicates that this missense variant does not alter protein structure/function; Has not been previously published as pathogenic or benign to our knowledge

Labcorp Genetics (formerly Invitae), Labcorp
Classification: Uncertain significance for Cataract 36. Last evaluated: 2023-08-17. Review status: criteria provided, single submitter. Criteria: Invitae Variant Classification Sherloc (09022015). Collection method: clinical testing. Allele origin: germline.
Comment: In summary, the available evidence is currently insufficient to determine the role of this variant in disease. Therefore, it has been classified as a Variant of Uncertain Significance. An algorithm developed to predict the effect of missense changes on protein structure and function (PolyPhen-2) suggests that this variant is likely to be tolerated. ClinVar contains an entry for this variant (Variation ID: 2455171). This variant has not been reported in the literature in individuals affected with TDRD7-related conditions. This variant is present in population databases (rs142868591, gnomAD 0.05%). This sequence change replaces alanine, which is neutral and non-polar, with threonine, which is neutral and polar, at codon 895 of the TDRD7 protein (p.Ala895Thr).

NM_014290.3(TDRD7):c.2683G>A (p.Ala895Thr)

Gene: TDRD7 (tudor domain containing 7; plus strand). Cytogenetic location: 9q22.33.
Variant type: single nucleotide variant.
Coding change: c.2683G>A on transcript NM_014290.3 (MANE Select); coding-DNA position 2683, G replaced by A.
Protein change: p.Ala895Thr; replaces alanine 895 with threonine.
Molecular consequence: missense variant.
Genome position (GRCh38, 1-based): chr9:97,483,119, G>A. VCF-style: chr9-97483119-G-A. GRCh37 (hg19) VCF-style: chr9-100245401-G-A.
Other names: c.2461G>A, p.Ala821Thr (NM_001302884.2); short protein forms A821T, A895T.
Identifiers: ClinVar variation 2455171 (VCV002455171.7), dbSNP rs142868591, ClinGen allele CA5146998.
Genomic context (GRCh38, chr9:97,483,119, plus strand): 5'-GAGAATTTCAGAAAGAACCTCACAGATGTCATCAAAAAGTCCATGGTGGACCATACGAGC[G>A]CTTTCTCCACAGAGGAACTGCCACCTCCTGTCCACTTATCAAAGCCAGGGGAACACATGG-3'
Protein context (NP_055105.2, residues 885-905): IKKSMVDHTS[Ala895Thr]FSTEELPPPV